The following is an entry in ClinVar:

ClinVar aggregate classification (germline): Uncertain significance (1 of 4 stars; one submission).

Submission:

Labcorp Genetics (formerly Invitae), Labcorp
Classification: Uncertain significance. Last evaluated: 2019-10-16. Review status: criteria provided, single submitter. Criteria: Invitae Variant Classification Sherloc (09022015). Collection method: clinical testing. Allele origin: germline.
Comment: In summary, the available evidence is currently insufficient to determine the role of this variant in disease. Therefore, it has been classified as a Variant of Uncertain Significance. Algorithms developed to predict the effect of missense changes on protein structure and function are either unavailable or do not agree on the potential impact of this missense change (SIFT: "Tolerated"; PolyPhen-2: "Probably Damaging"; Align-GVGD: "Class C0"). This variant has not been reported in the literature in individuals with TUBGCP6-related conditions. This variant is not present in population databases (ExAC no frequency). This sequence change replaces leucine with valine at codon 113 of the TUBGCP6 protein (p.Leu113Val). The leucine residue is moderately conserved and there is a small physicochemical difference between leucine and valine.

NM_020461.4(TUBGCP6):c.337C>G (p.Leu113Val)

Gene: TUBGCP6 (tubulin gamma complex component 6; minus strand). Cytogenetic location: 22q13.33.
Variant type: single nucleotide variant.
Coding change: c.337C>G on transcript NM_020461.4 (MANE Select); coding-DNA position 337, C replaced by G.
Protein change: p.Leu113Val; replaces leucine 113 with valine.
Molecular consequence: missense variant.
Genome position (GRCh38, 1-based): chr22:50,244,123, G>C on the plus strand (C>G on the coding strand, the complement: TUBGCP6 is on the minus strand). VCF-style: chr22-50244123-G-C. GRCh37 (hg19) VCF-style: chr22-50682552-G-C.
Other names: short protein forms L113V.
Identifiers: ClinVar variation 961688 (VCV000961688.9), dbSNP rs536871978, ClinGen allele CA412115736.